The following is an entry in ClinVar:

ClinVar aggregate classification (germline): Uncertain significance (1 of 4 stars; one submission).

Allele frequency attached by ClinVar (database versions not stated): gnomAD 0.00001.
gnomAD v4.1: 2 of 1,613,994 alleles (0.00012%); highest among the groups gnomAD compares: Admixed American, 0.0017%; no homozygotes.

Submission:

Labcorp Genetics (formerly Invitae), Labcorp
Classification: Uncertain significance. Last evaluated: 2021-08-19. Review status: criteria provided, single submitter. Criteria: Invitae Variant Classification Sherloc (09022015). Collection method: clinical testing. Allele origin: germline.
Comment: Algorithms developed to predict the effect of missense changes on protein structure and function (SIFT, PolyPhen-2, Align-GVGD) all suggest that this variant is likely to be tolerated. This sequence change replaces histidine with asparagine at codon 430 of the CKAP2L protein (p.His430Asn). The histidine residue is moderately conserved and there is a small physicochemical difference between histidine and asparagine. This variant is not present in population databases (ExAC no frequency). This variant has not been reported in the literature in individuals affected with CKAP2L-related conditions. In summary, the available evidence is currently insufficient to determine the role of this variant in disease. Therefore, it has been classified as a Variant of Uncertain Significance.

NM_152515.5(CKAP2L):c.1288C>A (p.His430Asn)

Gene: CKAP2L (cytoskeleton associated protein 2 like; minus strand). Cytogenetic location: 2q14.1.
Variant type: single nucleotide variant.
Coding change: c.1288C>A on transcript NM_152515.5 (MANE Select); coding-DNA position 1288, C replaced by A.
Protein change: p.His430Asn; replaces histidine 430 with asparagine.
Molecular consequence: missense variant. On other transcripts: non-coding transcript variant (1).
Genome position (GRCh38, 1-based): chr2:112,756,083, G>T on the plus strand (C>A on the coding strand, the complement: CKAP2L is on the minus strand). VCF-style: chr2-112756083-G-T. GRCh37 (hg19) VCF-style: chr2-113513660-G-T.
Other names: c.793C>A, p.His265Asn (NM_001304361.2); short protein forms H430N, H265N.
Identifiers: ClinVar variation 1374346 (VCV001374346.6), dbSNP rs1481703640, ClinGen allele CA348295893.
Genomic context (GRCh38, chr2:112,756,083, plus strand): 5'-GGGTCCCATTTACGGTTGTGACATCAGCTTGAGTTTTGGGAGCTGTCTTGTTCAGAAAAT[G>T]GTTCTGGGGAACAGCCTTTTTCAACTTGGAGTCCAAAGTCTGTGCTTTTTGCTGAAAGCC-3'
Protein context (NP_689728.3, residues 420-440): SKLKKAVPQN[His430Asn]FLNKTAPKTQ